The following is an entry in ClinVar:

ClinVar aggregate classification (germline): Uncertain significance (1 of 4 stars; one submission).

gnomAD v4.1: 1 of 1,179,692 alleles (0.000085%); highest among the groups gnomAD compares: Non-Finnish European, 0.00011%; no homozygotes.

Submission:

Ambry Genetics
Classification: Uncertain significance. Last evaluated: 2024-10-11. Review status: criteria provided, single submitter. Criteria: Ambry Variant Classification Scheme 2023. Collection method: clinical testing. Allele origin: germline.
Comment: The p.L21R variant (also known as c.62T>G), located in coding exon 1 of the GALNT12 gene, results from a T to G substitution at nucleotide position 62. The leucine at codon 21 is replaced by arginine, an amino acid with dissimilar properties. This amino acid position is conserved. In addition, this alteration is predicted to be tolerated by in silico analysis. Since supporting evidence is limited at this time, the clinical significance of this alteration remains unclear.

NM_024642.5(GALNT12):c.62T>G (p.Leu21Arg)

Genes: GALNT12 (polypeptide N-acetylgalactosaminyltransferase 12; plus strand), LOC130002222 (ATAC-STARR-seq lymphoblastoid silent region 20123; plus strand). Cytogenetic location: 9q22.33.
Variant type: single nucleotide variant.
Coding change: c.62T>G on transcript NM_024642.5 (MANE Select); coding-DNA position 62, T replaced by G.
Protein change: p.Leu21Arg; replaces leucine 21 with arginine.
Molecular consequence: missense variant.
Genome position (GRCh38, 1-based): chr9:98,807,760, T>G. VCF-style: chr9-98807760-T-G. GRCh37 (hg19) VCF-style: chr9-101570042-T-G.
Other names: short protein forms L21R.
Identifiers: ClinVar variation 1752728 (VCV001752728.3), dbSNP rs2490454861, ClinGen allele CA374222158.